The following is an entry in ClinVar:

ClinVar aggregate classification (germline): Uncertain significance (1 of 4 stars; one submission).

Conditions:
DICER1-related tumor predisposition. Also called: DICER1-related pleuropulmonary blastoma cancer predisposition syndrome; DICER1 syndrome. Identifiers: Orphanet 284343, MedGen C3839822, MONDO:0100216.

Submission:

Labcorp Genetics (formerly Invitae), Labcorp
Classification: Uncertain significance for DICER1-related tumor predisposition. Last evaluated: 2024-08-12. Review status: criteria provided, single submitter. Criteria: Invitae Variant Classification Sherloc (09022015). Collection method: clinical testing. Allele origin: germline.
Comment: This sequence change replaces valine, which is neutral and non-polar, with alanine, which is neutral and non-polar, at codon 947 of the DICER1 protein (p.Val947Ala). This variant is not present in population databases (gnomAD no frequency). This variant has not been reported in the literature in individuals affected with DICER1-related conditions. Advanced modeling of protein sequence and biophysical properties (such as structural, functional, and spatial information, amino acid conservation, physicochemical variation, residue mobility, and thermodynamic stability) performed at Invitae indicates that this missense variant is expected to disrupt DICER1 protein function with a positive predictive value of 80%. In summary, the available evidence is currently insufficient to determine the role of this variant in disease. Therefore, it has been classified as a Variant of Uncertain Significance.

NM_177438.3(DICER1):c.2840T>C (p.Val947Ala)

Gene: DICER1 (dicer 1, ribonuclease III; minus strand). Cytogenetic location: 14q32.13.
Variant type: single nucleotide variant.
Coding change: c.2840T>C on transcript NM_177438.3 (MANE Select); coding-DNA position 2840, T replaced by C.
Protein change: p.Val947Ala; replaces valine 947 with alanine.
Molecular consequence: missense variant. On other transcripts: non-coding transcript variant (6).
Genome position (GRCh38, 1-based): chr14:95,106,188, A>G on the plus strand (T>C on the coding strand, the complement: DICER1 is on the minus strand). VCF-style: chr14-95106188-A-G. GRCh37 (hg19) VCF-style: chr14-95572525-A-G.
Other names: c.2840T>C, p.Val947Ala (NM_001271282.3, NM_001291628.2, NM_001395677.1 and 12 more transcripts); c.2558T>C, p.Val853Ala (NM_001395686.1); c.2435T>C, p.Val812Ala (NM_001395687.1, NM_001395688.1, NM_001395689.1 and 2 more transcripts); c.2273T>C, p.Val758Ala (NM_001395691.1); c.1157T>C, p.Val386Ala (NM_001395697.1); short protein forms V812A, V853A, V386A, V758A, V947A.
Identifiers: ClinVar variation 3662090 (VCV003662090.2).
Genomic context (GRCh38, chr14:95,106,188, plus strand): 5'-GTTTCATACTCAGGGGAAGGAAATTTACTGAGTGGGGTAAGATCAGTGTACACATCAGCT[A>G]CATAAAATCGATGAGGCTGATCAAAATTGCGATATCTAAAAAAGAAAAACAAAAAAACAA-3'
Protein context (NP_803187.1, residues 937-957): RNFDQPHRFY[Val947Ala]ADVYTDLTPL